The following is an entry in ClinVar:

ClinVar aggregate classification (germline): Uncertain significance (1 of 4 stars; one submission).

Submission:

Labcorp Genetics (formerly Invitae), Labcorp
Classification: Uncertain significance. Last evaluated: 2022-02-10. Review status: criteria provided, single submitter. Criteria: Invitae Variant Classification Sherloc (09022015). Collection method: clinical testing. Allele origin: germline.
Comment: This variant has not been reported in the literature in individuals affected with MYO7A-related conditions. This sequence change replaces glutamic acid, which is acidic and polar, with glutamine, which is neutral and polar, at codon 877 of the MYO7A protein (p.Glu877Gln). This variant is not present in population databases (gnomAD no frequency). Advanced modeling of protein sequence and biophysical properties (such as structural, functional, and spatial information, amino acid conservation, physicochemical variation, residue mobility, and thermodynamic stability) performed at Invitae indicates that this missense variant is not expected to disrupt MYO7A protein function. In summary, the available evidence is currently insufficient to determine the role of this variant in disease. Therefore, it has been classified as a Variant of Uncertain Significance.

NM_000260.4(MYO7A):c.2629G>C (p.Glu877Gln)

Gene: MYO7A (myosin VIIA; plus strand). Cytogenetic location: 11q13.5.
Variant type: single nucleotide variant.
Coding change: c.2629G>C on transcript NM_000260.4 (MANE Select); coding-DNA position 2629, G replaced by C.
Protein change: p.Glu877Gln; replaces glutamic acid 877 with glutamine.
Molecular consequence: missense variant.
Genome position (GRCh38, 1-based): chr11:77,180,416, G>C. VCF-style: chr11-77180416-G-C. GRCh37 (hg19) VCF-style: chr11-76891462-G-C.
Other names: c.2629G>C, p.Glu877Gln (NM_001127180.2); c.2596G>C, p.Glu866Gln (NM_001369365.1); short protein forms E866Q, E877Q.
Identifiers: ClinVar variation 1411735 (VCV001411735.8), dbSNP rs2135478046, ClinGen allele CA381942315.